The following is an entry in ClinVar:

ClinVar aggregate classification (germline): Benign. Review status: reviewed by expert panel (3 of 4 stars). 23 submissions from 20 submitters: Benign (1). 22 of the submissions do not count toward it. Last evaluated 2025-11-11.

Conditions:
Myosin storage myopathy (CMYO7A). Also called: MYOPATHY WITH LYSIS OF TYPE I MYOFIBRILS; MYOPATHY, HYALINE BODY, AUTOSOMAL DOMINANT; MYH7-related late-onset scapuloperoneal muscular dystrophy; Congenital myopathy 7A, myosin storage, autosomal dominant; SCAPULOPERONEAL MUSCULAR DYSTROPHY; SCAPULOPERONEAL SYNDROME, MYOPATHIC TYPE. Identifiers: Orphanet 437572, Orphanet 636965, MedGen C1842160, MONDO:0008409, OMIM 608358.
MYH7-related skeletal myopathy. Also called: Myopathy, distal, 1; Laing distal myopathy; Laing early-onset distal myopathy; MYOPATHY, DISTAL, EARLY-ONSET, AUTOSOMAL DOMINANT; MYOPATHY, LATE DISTAL HEREDITARY. Identifiers: Orphanet 59135, MedGen C4552004, MONDO:0008050, OMIM 160500.
Myopathy, myosin storage, autosomal recessive (CMYO7B). Also called: CONGENITAL MYOPATHY 7B, MYOSIN STORAGE, AUTOSOMAL RECESSIVE. Identifiers: Orphanet 636970, MedGen C1850709, MONDO:0009708, OMIM 255160.
Dilated cardiomyopathy 1S (CMD1S). Identifiers: Orphanet 154, Orphanet 54260, MedGen C1834481, MONDO:0013262, OMIM 613426.
Hypertrophic cardiomyopathy 1 (CMH1). Also called: MYH7-Related Familial Hypertrophic Cardiomyopathy; Familial hypertrophic cardiomyopathy 1. Identifiers: MedGen C3495498, MONDO:0008647, OMIM 192600.
Congenital myopathy with fiber type disproportion. Also called: Congenital fiber-type disproportion; Congenital fiber-type disproportion myopathy. Identifiers: Orphanet 2020, MedGen C0546264, MONDO:0009711. Inheritance: all.
Cardiovascular phenotype. Identifiers: MedGen CN230736.
Cardiomyopathy (CMYO). Also called: Cardiomyopathies. Identifiers: Orphanet 167848, MedGen C0878544, MONDO:0004994, HP:0001638. Inheritance: Various modes of inheritance.
Hypertrophic cardiomyopathy. Also called: HYPERTROPHIC MYOCARDIOPATHY. Identifiers: Orphanet 217569, MedGen C0007194, MeSH D002312, MONDO:0005045, HP:0001639.

Allele frequency attached by ClinVar (database versions not stated): ExAC 0.10702; 1000 Genomes Project 0.11761; 1000 Genomes Project 30x 0.12024; gnomAD 0.14215 and 0.14676; TOPMed 0.14902; ESP Exome Variant Server 0.16062.
gnomAD v4.1: 199,172 of 1,613,964 alleles (12%); highest among the groups gnomAD compares: African/African-American, 23%; 13,452 homozygotes.

Submissions (23):

ClinGen Cardiomyopathy Variant Curation Expert Panel
Classification: Benign for Hypertrophic cardiomyopathy. Last evaluated: 2025-11-11. Review status: reviewed by expert panel. Criteria: ClinGen CMP ACMG Specifications MYH7 V2.0.0. Collection method: curation. Allele origin: germline. Inheritance: Autosomal dominant inheritance.
Comment: The filtering allele frequency of the c.5106G>A (p.Ala1702=) variant in the MYH7 gene is 22.43% (2414/10406) of African chromosomes by the Exome Aggregation Consortium, which is a high enough frequency to be classified as benign based on thresholds defined by the ClinGen Inherited Cardiomyopathy Expert Panel (BA1; PMID:29300372).

Labcorp Genetics (formerly Invitae), Labcorp
Classification: Benign for Hypertrophic cardiomyopathy. Last evaluated: 2026-02-04. Review status: criteria provided, single submitter. Criteria: Invitae Variant Classification Sherloc (09022015). Collection method: clinical testing. Allele origin: germline. Not counted in ClinVar's aggregate classification.

Blueprint Genetics
Classification: Benign. Last evaluated: 2024-11-27. Review status: criteria provided, single submitter. Criteria: ACMG Guidelines, 2015. Collection method: clinical testing. Allele origin: germline. Not counted in ClinVar's aggregate classification.

Cohesion Phenomics
Classification: Benign for Cardiomyopathy. Last evaluated: 2022-10-10. Review status: criteria provided, single submitter. Criteria: ACMG Guidelines, 2015. Collection method: clinical testing. Allele origin: germline. Affected: yes. Not counted in ClinVar's aggregate classification.

Fulgent Genetics
Classification: Benign for MYH7-related skeletal myopathy; Myosin storage myopathy; Hypertrophic cardiomyopathy 1; Myopathy, myosin storage, autosomal recessive; Congenital myopathy 4A, autosomal dominant; Dilated cardiomyopathy 1S. Last evaluated: 2022-02-14. Review status: criteria provided, single submitter. Criteria: ACMG Guidelines, 2015. Collection method: clinical testing. Allele origin: unknown. Not counted in ClinVar's aggregate classification.

Molecular Diagnostic Laboratory for Inherited Cardiovascular Disease, Montreal Heart Institute
Classification: Benign. Last evaluated: 2019-10-09. Review status: criteria provided, single submitter. Criteria: ACMG Guidelines, 2015. Collection method: clinical testing. Allele origin: germline. Affected: yes. Not counted in ClinVar's aggregate classification.

Color Diagnostics, LLC DBA Color Health
Classification: Benign for Cardiomyopathy. Last evaluated: 2018-03-05. Review status: criteria provided, single submitter. Criteria: ACMG Guidelines, 2015. Collection method: clinical testing. Allele origin: germline. Not counted in ClinVar's aggregate classification.

Illumina Laboratory Services, Illumina
Classification: Benign for Hypertrophic cardiomyopathy 1. Last evaluated: 2018-01-13. Review status: criteria provided, single submitter. Criteria: ICSL Variant Classification Criteria 13 December 2019. Collection method: clinical testing. Allele origin: germline. Not counted in ClinVar's aggregate classification.
Comment: This variant was observed in the ICSL laboratory as part of a predisposition screen in an ostensibly healthy population. It had not been previously curated by ICSL or reported in the Human Gene Mutation Database (HGMD: prior to June 1st, 2018), and was therefore a candidate for classification through an automated scoring system. Utilizing variant allele frequency, disease prevalence and penetrance estimates, and inheritance mode, an automated score was calculated to assess if this variant is too frequent to cause the disease. Based on the score and internal cut-off values, a variant classified as benign is not then subjected to further curation. The score for this variant resulted in a classification of benign for this disease.

Illumina Laboratory Services, Illumina
Classification: Benign for MYH7-related skeletal myopathy. Last evaluated: 2018-01-13. Review status: criteria provided, single submitter. Criteria: ICSL Variant Classification Criteria 13 December 2019. Collection method: clinical testing. Allele origin: germline. Not counted in ClinVar's aggregate classification.
Comment: the same text as in the submission from Illumina Laboratory Services, Illumina above.

Illumina Laboratory Services, Illumina
Classification: Benign for Myosin storage myopathy. Last evaluated: 2018-01-13. Review status: criteria provided, single submitter. Criteria: ICSL Variant Classification Criteria 13 December 2019. Collection method: clinical testing. Allele origin: germline. Not counted in ClinVar's aggregate classification.
Comment: the same text as in the submission from Illumina Laboratory Services, Illumina above.

Illumina Laboratory Services, Illumina
Classification: Benign for Dilated cardiomyopathy 1S. Last evaluated: 2018-01-13. Review status: criteria provided, single submitter. Criteria: ICSL Variant Classification Criteria 13 December 2019. Collection method: clinical testing. Allele origin: germline. Not counted in ClinVar's aggregate classification.
Comment: the same text as in the submission from Illumina Laboratory Services, Illumina above.

Mayo Clinic Laboratories, Mayo Clinic
Classification: Benign. Last evaluated: 2017-08-24. Review status: criteria provided, single submitter. Criteria: ACMG Guidelines, 2015. Collection method: clinical testing. Allele origin: germline. Observed: 605 variant alleles. Not counted in ClinVar's aggregate classification.

Ambry Genetics
Classification: Benign for Cardiovascular phenotype. Last evaluated: 2015-06-25. Review status: criteria provided, single submitter. Criteria: Ambry Variant Classification Scheme 2023. Collection method: clinical testing. Allele origin: germline. Not counted in ClinVar's aggregate classification.

GeneDx
Classification: Benign. Last evaluated: 2015-03-03. Review status: criteria provided, single submitter. Criteria: GeneDx Variant Classification Process June 2021. Collection method: clinical testing. Allele origin: germline. Affected: yes. Not counted in ClinVar's aggregate classification.

Genetic Services Laboratory, University of Chicago
Classification: Benign for AllHighlyPenetrant. Last evaluated: 2013-08-15. Review status: criteria provided, single submitter. Criteria: ACMG Guidelines, 2007. Collection method: clinical testing. Allele origin: germline. Inheritance: Autosomal dominant inheritance. Not counted in ClinVar's aggregate classification.

Laboratory for Molecular Medicine, Mass General Brigham Personalized Medicine
Classification: Benign. Last evaluated: 2008-01-18. Review status: criteria provided, single submitter. Criteria: LMM Criteria. Collection method: clinical testing. Allele origin: germline. Observed: 1,310 variant alleles. Not counted in ClinVar's aggregate classification.

Breakthrough Genomics
Classification: Benign. Review status: criteria provided, single submitter. Criteria: ACMG Guidelines, 2015. Collection method: not provided. Allele origin: germline. Inheritance: Autosomal recessive inheritance. Affected: yes. Not counted in ClinVar's aggregate classification.

PreventionGenetics, part of Exact Sciences
Classification: Benign. Review status: criteria provided, single submitter. Criteria: ACMG Guidelines, 2015. Collection method: clinical testing. Allele origin: germline. Not counted in ClinVar's aggregate classification.

Clinical Genetics DNA and cytogenetics Diagnostics Lab, Erasmus MC, Erasmus Medical Center
Classification: Benign. Review status: no assertion criteria provided. Collection method: clinical testing. Allele origin: germline. Affected: yes. Study: VKGL Data-share Consensus. Not counted in ClinVar's aggregate classification.

Clinical Genetics, Academic Medical Center
Classification: Benign. Review status: no assertion criteria provided. Collection method: clinical testing. Allele origin: germline. Affected: yes. Study: VKGL Data-share Consensus. Not counted in ClinVar's aggregate classification.

Diagnostic Laboratory, Department of Genetics, University Medical Center Groningen
Classification: Benign. Review status: no assertion criteria provided. Collection method: clinical testing. Allele origin: germline. Affected: yes. Study: VKGL Data-share Consensus. Not counted in ClinVar's aggregate classification.

Genome Diagnostics Laboratory, University Medical Center Utrecht
Classification: Benign. Review status: no assertion criteria provided. Collection method: clinical testing. Allele origin: germline. Affected: yes. Study: VKGL Data-share Consensus. Not counted in ClinVar's aggregate classification.

Joint Genome Diagnostic Labs from Nijmegen and Maastricht, Radboudumc and MUMC+
Classification: Benign. Review status: no assertion criteria provided. Collection method: clinical testing. Allele origin: germline. Affected: yes. Study: VKGL Data-share Consensus. Not counted in ClinVar's aggregate classification.

Literature cited by the submitters: PubMed 29300372 (cited by ClinGen Cardiomyopathy Variant Curation Expert Panel).

NM_000257.4(MYH7):c.5106G>A (p.Ala1702=)

Genes: MHRT (myosin heavy chain associated RNA transcript; plus strand), MYH7 (myosin heavy chain 7; minus strand), LOC126861897 (BRD4-independent group 4 enhancer GRCh37_chr14:23884455-23885654; plus strand). Cytogenetic location: 14q11.2.
Variant type: single nucleotide variant.
Coding change: c.5106G>A on transcript NM_000257.4 (MANE Select); coding-DNA position 5106, G replaced by A.
Protein change: p.Ala1702=; no amino-acid change (alanine 1702 retained).
Molecular consequence: synonymous variant. On other transcripts: non-coding transcript variant (1).
Genome position (GRCh38, 1-based): chr14:23,415,680, C>T on the plus strand (G>A on the coding strand, the complement: MYH7 is on the minus strand). VCF-style: chr14-23415680-C-T. GRCh37 (hg19) VCF-style: chr14-23884889-C-T.
Other names: NM_000257.3(MYH7):c.5106G>A.
Identifiers: ClinVar variation 43056 (VCV000043056.47), dbSNP rs3729830, ClinGen allele CA015682.